The following is an entry in ClinVar:

NM_000059.4(BRCA2):c.7586del (p.Gly2529fs)

Gene: BRCA2 (BRCA2 DNA repair associated; plus strand). Cytogenetic location: 13q13.1.
Variant type: Deletion.
Coding change: c.7586del on transcript NM_000059.4 (MANE Select); coding-DNA position 7586, one base deleted (G; older notation c.7586delG).
Protein change: p.Gly2529fs; shifts the reading frame from glycine 2529.
Molecular consequence: frameshift variant.
Genome position (GRCh38, 1-based): chr13:32,356,578, G deleted; the last of 2 consecutive G bases (chr13:32,356,577-32,356,578); deleting either gives the same sequence. VCF-style (leftmost placement, unchanged base first): chr13-32356576-AG-A. GRCh37 (hg19) VCF-style: chr13-32930713-AG-A.
Other names: short protein forms G2529fs.
Identifiers: ClinVar variation 928868 (VCV000928868.3), dbSNP rs2072699136, ClinGen allele CA1139663194.
Genomic context (GRCh38, chr13:32,356,576, plus strand): 5'-CAGTCTGTATCTTGCAAAAACATCCACTCTGCCTCGAATCTCTCTGAAAGCAGCAGTAGG[AG>A]GCCAAGTTCCCTCTGCGTGTTCTCATAAACAGGTATGTGTTTGTCTACAATACTGATGGC-3'

ClinVar aggregate classification (germline): Pathogenic (1 of 4 stars; one submission).

Conditions:
Hereditary breast ovarian cancer syndrome. Also called: Hereditary breast and ovarian cancer syndrome; Hereditary breast and ovarian cancer syndrome (HBOC); Hereditary breast and/or ovarian cancer syndrome; Hereditary breast and ovarian cancer; Breast and ovarian cancer; BRCA1- and BRCA2-Associated Hereditary Breast and Ovarian Cancer. Identifiers: Orphanet 145, MedGen C0677776, MeSH D061325, MONDO:0003582. Disease mechanism: loss of function.

Submission:

Women's Health and Genetics/Laboratory Corporation of America, LabCorp
Classification: Pathogenic for Hereditary breast and ovarian cancer syndrome. Last evaluated: 2019-12-24. Review status: criteria provided, single submitter. Criteria: LabCorp Variant Classification Summary - May 2015. Collection method: clinical testing. Allele origin: germline.
Comment: Variant summary: BRCA2 c.7586delG (p.Gly2529AlafsX22) results in a premature termination codon, predicted to cause a truncation of the encoded protein or absence of the protein due to nonsense mediated decay, which are commonly known mechanisms for disease. Truncations downstream of this position have been classified as pathogenic by our laboratory. The variant was absent in 250996 control chromosomes. c.7586delG has been reported in the literature in at-least one individual affected with Breast Cancer enrolled in a case-control association study for variants in coding regions of 11 hereditary breast cancer genes in 7051 unselected breast cancer patients and 11,241 female controls of Japanese ancestry (Momozawa_2018). To our knowledge, no experimental evidence demonstrating an impact on protein function has been reported. No clinical diagnostic laboratories have submitted clinical-significance assessments for this variant to ClinVar after 2014. Based on the evidence outlined above, the variant was classified as pathogenic.

Literature cited by the submitters: PubMed 30287823.